The following is an entry in ClinVar:

ClinVar aggregate classification (germline): Conflicting classifications of pathogenicity. Review status: criteria provided, conflicting classifications (1 of 4 stars). 8 submissions from 7 submitters: Uncertain significance (2); Likely benign (4). 2 of the submissions do not count toward it. Last evaluated 2026-02-02.

Conditions:
MMADHC-related disorder. Also called: MMADHC-related condition.
Disorders of Intracellular Cobalamin Metabolism. Identifiers: MedGen CN043592.
Methylmalonic aciduria and homocystinuria type cblD (MAHCD). Also called: METHYLMALONIC ACIDEMIA, cblH TYPE; Methylmalonic aciduria with homocystinuria cblD type. Identifiers: Orphanet 622, Orphanet 79283, MedGen C1848552, MONDO:0010185, OMIM 277410.

Allele frequency attached by ClinVar (database versions not stated): 1000 Genomes Project 30x 0.00047; 1000 Genomes Project 0.00060; ESP Exome Variant Server 0.00092; TOPMed 0.00103; gnomAD 0.00117; gnomAD exomes 0.00178; ExAC 0.00207.
gnomAD v4.1: 2,703 of 1,604,280 alleles (0.17%); highest among the groups gnomAD compares: Non-Finnish European, 0.19%; 3 homozygotes.

Submissions (8):

Labcorp Genetics (formerly Invitae), Labcorp
Classification: Likely benign for Methylmalonic aciduria and homocystinuria type cblD. Last evaluated: 2026-02-02. Review status: criteria provided, single submitter. Criteria: Invitae Variant Classification Sherloc (09022015). Collection method: clinical testing. Allele origin: germline.

ARUP Laboratories, Molecular Genetics and Genomics, ARUP Laboratories
Classification: Likely benign. Last evaluated: 2023-11-14. Review status: criteria provided, single submitter. Criteria: ARUP Molecular Germline Variant Investigation Process 2024. Collection method: clinical testing. Allele origin: germline.

GeneDx
Classification: Likely benign. Last evaluated: 2020-06-30. Review status: criteria provided, single submitter. Criteria: GeneDx Variant Classification Process June 2021. Collection method: clinical testing. Allele origin: germline. Affected: yes.

Illumina Laboratory Services, Illumina
Classification: Likely benign for Disorders of Intracellular Cobalamin Metabolism. Last evaluated: 2018-01-12. Review status: criteria provided, single submitter. Criteria: ICSL Variant Classification Criteria 13 December 2019. Collection method: clinical testing. Allele origin: germline.
Comment: This variant was observed in the ICSL laboratory as part of a predisposition screen in an ostensibly healthy population. It had not been previously curated by ICSL or reported in the Human Gene Mutation Database (HGMD: prior to June 1st, 2018), and was therefore a candidate for classification through an automated scoring system. Utilizing variant allele frequency, disease prevalence and penetrance estimates, and inheritance mode, an automated score was calculated to assess if this variant is too frequent to cause the disease. Based on the score and internal cut-off values, a variant classified as likely benign is not then subjected to further curation. The score for this variant resulted in a classification of likely benign for this disease.

Illumina Laboratory Services, Illumina
Classification: Uncertain significance for Methylmalonic aciduria and homocystinuria type cblD. Last evaluated: 2018-01-12. Review status: criteria provided, single submitter. Criteria: ICSL Variant Classification Criteria 13 December 2019. Collection method: clinical testing. Allele origin: germline.

Eurofins Ntd Llc (ga)
Classification: Uncertain significance. Last evaluated: 2016-02-16. Review status: criteria provided, single submitter. Criteria: EGL Classification Definitions 2015. Collection method: clinical testing. Allele origin: germline. Observed: 1 variant allele, 1 heterozygote.

PreventionGenetics, part of Exact Sciences
Classification: Likely benign for MMADHC-related condition. Last evaluated: 2022-09-01. Review status: no assertion criteria provided. Collection method: clinical testing. Allele origin: germline. Not counted in ClinVar's aggregate classification.
Comment: This variant is classified as likely benign based on ACMG/AMP sequence variant interpretation guidelines (Richards et al. 2015 PMID: 25741868, with internal and published modifications).

Natera, Inc.
Classification: Uncertain significance for Methylmalonic aciduria with homocystinuria cblD type. Last evaluated: 2020-01-14. Review status: no assertion criteria provided. Collection method: clinical testing. Allele origin: germline. Not counted in ClinVar's aggregate classification.

NM_015702.3(MMADHC):c.578T>C (p.Val193Ala)

Gene: MMADHC (metabolism of cobalamin associated D; minus strand). Cytogenetic location: 2q23.2.
Variant type: single nucleotide variant.
Coding change: c.578T>C on transcript NM_015702.3 (MANE Select); coding-DNA position 578, T replaced by C.
Protein change: p.Val193Ala; replaces valine 193 with alanine.
Molecular consequence: missense variant.
Genome position (GRCh38, 1-based): chr2:149,575,742, A>G on the plus strand (T>C on the coding strand, the complement: MMADHC is on the minus strand). VCF-style: chr2-149575742-A-G. GRCh37 (hg19) VCF-style: chr2-150432256-A-G.
Other names: short protein forms V193A.
Identifiers: ClinVar variation 285847 (VCV000285847.26), dbSNP rs147370143, ClinGen allele CA1902350.